The following is an entry in ClinVar:

ClinVar aggregate classification (germline): Uncertain significance (1 of 4 stars; one submission).

Submission:

Labcorp Genetics (formerly Invitae), Labcorp
Classification: Uncertain significance. Last evaluated: 2024-04-10. Review status: criteria provided, single submitter. Criteria: Invitae Variant Classification Sherloc (09022015). Collection method: clinical testing. Allele origin: germline.
Comment: This sequence change affects codon 80 of the IFT88 mRNA. It is a 'silent' change, meaning that it does not change the encoded amino acid sequence of the IFT88 protein. This variant is not present in population databases (gnomAD no frequency). This variant has not been reported in the literature in individuals affected with IFT88-related conditions. Algorithms developed to predict the effect of sequence changes on RNA splicing suggest that this variant may disrupt the consensus splice site. In summary, the available evidence is currently insufficient to determine the role of this variant in disease. Therefore, it has been classified as a Variant of Uncertain Significance.

NM_006531.5(IFT88):c.213C>T (p.Ser71=)

Gene: IFT88 (intraflagellar transport 88; plus strand). Cytogenetic location: 13q12.11.
Variant type: single nucleotide variant.
Coding change: c.213C>T on transcript NM_006531.5 (MANE Select); coding-DNA position 213, C replaced by T.
Protein change: p.Ser71=; no amino-acid change (serine 71 retained).
Molecular consequence: synonymous variant. On other transcripts: 5 prime UTR variant (1), non-coding transcript variant (5).
Genome position (GRCh38, 1-based): chr13:20,590,969, C>T. VCF-style: chr13-20590969-C-T. GRCh37 (hg19) VCF-style: chr13-21165108-C-T.
Other names: c.156C>T, p.Ser52= (NM_001318491.2, NM_001353573.2, NM_001353574.2 and 1 more transcripts); c.240C>T, p.Ser80= (NM_001318493.2, NM_001353565.2, NM_001353566.2 and 6 more transcripts); c.213C>T, p.Ser71= (NM_001353568.2, NM_001353571.2, NM_001353572.2 and 1 more transcripts); c.-351C>T (NM_001353579.2).
Identifiers: ClinVar variation 3701592 (VCV003701592.2).
Genomic context (GRCh38, chr13:20,590,969, plus strand): 5'-AAACATTTAAGGCAGATATTTTTAGGAATCTTTTTAACTTAACTTTTCTGTTTACTAGTC[C>T]AAGACATCTCTGGCATCATCAATAGGAAGACCAATGACAGGGGCTATTCAGGTATCTCTA-3'
Protein context (NP_006522.2, residues 61-81): VTRPIATGYG[Ser71=]KTSLASSIGR